The following is an entry in ClinVar:

NM_000135.4(FANCA):c.157A>C (p.Ser53Arg)

Gene: FANCA (FA complementation group A; minus strand). Cytogenetic location: 16q24.3.
Variant type: single nucleotide variant.
Coding change: c.157A>C on transcript NM_000135.4 (MANE Select); coding-DNA position 157, A replaced by C.
Protein change: p.Ser53Arg; replaces serine 53 with arginine.
Molecular consequence: missense variant.
Genome position (GRCh38, 1-based): chr16:89,815,909, T>G on the plus strand (A>C on the coding strand, the complement: FANCA is on the minus strand). VCF-style: chr16-89815909-T-G. GRCh37 (hg19) VCF-style: chr16-89882317-T-G.
Other names: c.157A>C (LRG_495t1, NM_000135.3); c.157A>C, p.Ser53Arg (NM_001018112.3, NM_001286167.3, NM_001351830.2); short protein forms S53R.
Identifiers: ClinVar variation 237036 (VCV000237036.61), dbSNP rs61757383, ClinGen allele CA8253156.

ClinVar aggregate classification (germline): Conflicting classifications of pathogenicity. Review status: criteria provided, conflicting classifications (1 of 4 stars). 9 submissions from 9 submitters: Uncertain significance (7); Benign (1). 1 of the submissions does not count toward it. Last evaluated 2025-12-29.

Conditions:
Fanconi anemia (FA). Also called: Fanconi's anemia. Identifiers: Orphanet 84, MedGen C0015625, MeSH D005199, MONDO:0019391.
Fanconi anemia complementation group A (FANCA). Also called: FANCA-Related Fanconi Anemia; Fanconi anemia, group A. Identifiers: Orphanet 84, MedGen C3469521, MONDO:0009215, OMIM 227650.

Allele frequency attached by ClinVar (database versions not stated): gnomAD 0.00019 and 0.00018; TOPMed 0.00020; ExAC 0.00007.
gnomAD v4.1: 139 of 1,614,024 alleles (0.0086%); highest among the groups gnomAD compares: African/African-American, 0.039%; no homozygotes.

Submissions (9):

Labcorp Genetics (formerly Invitae), Labcorp
Classification: Benign for Fanconi anemia. Last evaluated: 2025-12-29. Review status: criteria provided, single submitter. Criteria: Invitae Variant Classification Sherloc (09022015). Collection method: clinical testing. Allele origin: germline.

Quest Diagnostics Nichols Institute San Juan Capistrano
Classification: Uncertain significance. Last evaluated: 2025-09-02. Review status: criteria provided, single submitter. Criteria: Quest Diagnostics criteria. Collection method: clinical testing. Allele origin: unknown.
Comment: The FANCA c.157A>C (p.Ser53Arg) variant has been reported in the published literature in individuals with ovarian cancer (PMID: 32546565 (2021)) and pancreatic cancer (PMID: 35171259 (2022). In addition, this variant is reported in an individual with cutaneous melanoma, breast cancer, and lung cancer (PMID: 29641532 (2018)). The frequency of this variant in the general population (Genome Aggregation Database) is uninformative in the assessment of its pathogenicity. Analysis of this variant using bioinformatics tools for the prediction of the effect of amino acid changes on protein structure and function yielded predictions that this variant is benign. Based on the available information, we are unable to determine the clinical significance of this variant.

GeneDx
Classification: Uncertain significance. Last evaluated: 2025-02-07. Review status: criteria provided, single submitter. Criteria: GeneDx Variant Classification Process June 2021. Collection method: clinical testing. Allele origin: germline. Affected: yes.
Comment: In silico analysis indicates that this missense variant does not alter protein structure/function; This variant is associated with the following publications: (PMID: 35171259, 32546565, 29641532, 37865086)

Fulgent Genetics
Classification: Uncertain significance for Fanconi anemia complementation group A. Last evaluated: 2024-05-24. Review status: criteria provided, single submitter. Criteria: ACMG Guidelines, 2015. Collection method: clinical testing. Allele origin: germline.

Baylor Genetics
Classification: Uncertain significance for Fanconi anemia complementation group A. Last evaluated: 2021-11-24. Review status: criteria provided, single submitter. Criteria: ACMG Guidelines, 2015. Collection method: clinical testing. Allele origin: unknown. Affected: yes. Study: CSER-TexasKidsCanSeq.
Comment: This variant was determined to be of uncertain significance according to ACMG Guidelines, 2015 [PMID:25741868].

Sema4
Classification: Uncertain significance for Fanconi anemia. Last evaluated: 2021-05-30. Review status: criteria provided, single submitter. Criteria: Sema4 Curation Guidelines. Collection method: curation. Allele origin: germline.
Comment: The FANCA c.157A>C (p.S53R) variant has been reported in at least two individuals with ovarian cancer and one individual with melanoma, breast and lung cancer (PMID: 32546565, 29641532). It was observed in 9/24968 chromosomes of the African/African American subpopulation, in the large and broad cohorts of the Genome Aggregation Database (PMID: 32461654). The variant has been reported in ClinVar (Variation ID 237036). In silico tools suggest the impact of the variant on protein function is benign, though these predictions have not been confirmed by functional studies. The evidence is insufficient to meet ACMG/AMP criteria for classifying the variant as benign or pathogenic. Thus, the clinical significance of this variant is currently uncertain.

CeGaT Center for Human Genetics Tuebingen
Classification: Uncertain significance. Last evaluated: 2019-11-01. Review status: criteria provided, single submitter. Criteria: CeGaT Center For Human Genetics Tuebingen Variant Classification Criteria Version 2. Collection method: clinical testing. Allele origin: germline. Affected: yes. Observed: 1 variant allele.

Illumina Laboratory Services, Illumina
Classification: Uncertain significance for Fanconi anemia complementation group A. Last evaluated: 2018-01-13. Review status: criteria provided, single submitter. Criteria: ICSL Variant Classification Criteria 13 December 2019. Collection method: clinical testing. Allele origin: germline.

Natera, Inc.
Classification: Uncertain significance for Fanconi anemia, group A. Last evaluated: 2020-01-17. Review status: no assertion criteria provided. Collection method: clinical testing. Allele origin: germline. Not counted in ClinVar's aggregate classification.

Literature cited by the submitters: PubMed 35171259 (cited by Quest Diagnostics Nichols Institute San Juan Capistrano); PubMed 29641532 (cited by Quest Diagnostics Nichols Institute San Juan Capistrano and Sema4); PubMed 32546565 (cited by Quest Diagnostics Nichols Institute San Juan Capistrano and Sema4).